The following is an entry in ClinVar:

NM_199420.4(POLQ):c.1606C>G (p.Leu536Val)

Gene: POLQ (DNA polymerase theta; minus strand). Cytogenetic location: 3q13.33.
Variant type: single nucleotide variant.
Coding change: c.1606C>G on transcript NM_199420.4 (MANE Select); coding-DNA position 1606, C replaced by G.
Protein change: p.Leu536Val; replaces leucine 536 with valine.
Molecular consequence: missense variant.
Genome position (GRCh38, 1-based): chr3:121,511,892, G>C on the plus strand (C>G on the coding strand, the complement: POLQ is on the minus strand). VCF-style: chr3-121511892-G-C. GRCh37 (hg19) VCF-style: chr3-121230739-G-C.
Other names: short protein forms L536V.
Identifiers: ClinVar variation 1776289 (VCV001776289.3), dbSNP rs758335813, ClinGen allele CA81852330.
Genomic context (GRCh38, chr3:121,511,892, plus strand): 5'-TTTTACTAATTTAGGCATAAAAGAGCAAATGGTAATTTAGTAAATTCTCTCTTACCTCCA[G>C]AATAGCTCGTATCATGCTGCCAGTTACTTCTTCTCCTTCTCGTCTTTGCAGACAGCTGCG-3'
Protein context (NP_955452.3, residues 526-546): EVTGSMIRAI[Leu536Val]EIIVGGVAST

ClinVar aggregate classification (germline): Uncertain significance (1 of 4 stars; one submission).

Allele frequency attached by ClinVar (database versions not stated): gnomAD exomes below 0.00001.
gnomAD v4.1: 1 of 1,612,234 alleles (0.000062%); highest among the groups gnomAD compares: Non-Finnish European, 0.000085%; no homozygotes.

Submission:

Ambry Genetics
Classification: Uncertain significance. Last evaluated: 2024-06-08. Review status: criteria provided, single submitter. Criteria: Ambry Variant Classification Scheme 2023. Collection method: clinical testing. Allele origin: germline.
Comment: The p.L536V variant (also known as c.1606C>G), located in coding exon 10 of the POLQ gene, results from a C to G substitution at nucleotide position 1606. The leucine at codon 536 is replaced by valine, an amino acid with highly similar properties. This amino acid position is conserved. In addition, this alteration is predicted to be tolerated by in silico analysis. Since supporting evidence is limited at this time, the clinical significance of this alteration remains unclear.